The following is an entry in ClinVar:

ClinVar aggregate classification (germline): Uncertain significance (1 of 4 stars; one submission).

Conditions:
Combined immunodeficiency due to LRBA deficiency. Also called: Common variable immunodeficiency 8, with autoimmunity. Identifiers: Orphanet 445018, MedGen C3553512, MONDO:0013863, OMIM 614700.

gnomAD v4.1: 1 of 1,613,288 alleles (0.000062%); no homozygotes.

Submission:

Labcorp Genetics (formerly Invitae), Labcorp
Classification: Uncertain significance for Combined immunodeficiency due to LRBA deficiency. Last evaluated: 2022-04-21. Review status: criteria provided, single submitter. Criteria: Invitae Variant Classification Sherloc (09022015). Collection method: clinical testing. Allele origin: germline.
Comment: In summary, the available evidence is currently insufficient to determine the role of this variant in disease. Therefore, it has been classified as a Variant of Uncertain Significance. Algorithms developed to predict the effect of missense changes on protein structure and function are either unavailable or do not agree on the potential impact of this missense change (SIFT: "Deleterious"; PolyPhen-2: "Probably Damaging"; Align-GVGD: "Class C0"). This variant has not been reported in the literature in individuals affected with LRBA-related conditions. This variant is present in population databases (no rsID available, gnomAD no frequency). This sequence change replaces arginine, which is basic and polar, with isoleucine, which is neutral and non-polar, at codon 1913 of the LRBA protein (p.Arg1913Ile).

NM_001364905.1(LRBA):c.5738G>T (p.Arg1913Ile)

Gene: LRBA (LPS responsive beige-like anchor protein; minus strand). Cytogenetic location: 4q31.3.
Variant type: single nucleotide variant.
Coding change: c.5738G>T on transcript NM_001364905.1 (MANE Select); coding-DNA position 5738, G replaced by T.
Protein change: p.Arg1913Ile; replaces arginine 1913 with isoleucine.
Molecular consequence: missense variant.
Genome position (GRCh38, 1-based): chr4:150,735,274, C>A on the plus strand (G>T on the coding strand, the complement: LRBA is on the minus strand). VCF-style: chr4-150735274-C-A. GRCh37 (hg19) VCF-style: chr4-151656426-C-A.
Other names: c.5738G>T, p.Arg1913Ile (NM_001199282.3, NM_001367550.1, NM_006726.5); short protein forms R1913I.
Identifiers: ClinVar variation 2048258 (VCV002048258.4), dbSNP rs1346982716, ClinGen allele CA358607636.
Genomic context (GRCh38, chr4:150,735,274, plus strand): 5'-TAAAAAACGGTAACTTCCGCACACCAACCATATGTGTAACCTACCTCAAATTCCGCATGT[C>A]TGTGAATATCTTCTGCTCTCTGCCTGCTCAGGATAAATTCAGCTTCATTTGCTACTCTTA-3'
Protein context (NP_001351834.1, residues 1903-1923): LSRQRAEDIH[Arg1913Ile]HAEFESLCAQ